The following is an entry in ClinVar:

ClinVar aggregate classification (germline): Likely pathogenic. Review status: criteria provided, multiple submitters, no conflicts (2 of 4 stars). 2 submissions from 2 submitters: Likely pathogenic (2). Last evaluated 2022-09-14.

Conditions:
FBN1-related disorder. Also called: FBN1-related disorders.

Submissions (2):

Mayo Clinic Laboratories, Mayo Clinic
Classification: Likely pathogenic. Last evaluated: 2022-09-14. Review status: criteria provided, single submitter. Criteria: ACMG Guidelines, 2015. Collection method: clinical testing. Allele origin: germline. Observed: 1 variant allele.
Comment: PM1, PM2_supporting, PVS1_strong

Blueprint Genetics
Classification: Likely pathogenic for FBN1-related disorders. Last evaluated: 2022-04-22. Review status: criteria provided, single submitter. Criteria: ACMG Guidelines, 2015. Collection method: clinical testing. Allele origin: germline. Affected: yes. Observed: 3 variant alleles.

NM_000138.5(FBN1):c.4211-2A>C

Genes: FBN1 (fibrillin 1; minus strand), LOC126862124 (CDK7 strongly-dependent group 2 enhancer GRCh37_chr15:48764566-48765765; plus strand). Cytogenetic location: 15q21.1.
Variant type: single nucleotide variant.
Coding change: c.4211-2A>C on transcript NM_000138.5 (MANE Select); the canonical splice acceptor site of the intron before coding-DNA position 4211, A replaced by C.
Molecular consequence: splice acceptor variant.
Genome position (GRCh38, 1-based): chr15:48,472,678, T>G on the plus strand (A>C on the coding strand, the complement: FBN1 is on the minus strand). VCF-style: chr15-48472678-T-G. GRCh37 (hg19) VCF-style: chr15-48764875-T-G.
Other names: c.4211-2A>C (NM_001406716.1).
Identifiers: ClinVar variation 2683670 (VCV002683670.2), dbSNP rs2505513797, ClinGen allele CA392318190.
Genomic context (GRCh38, chr15:48,472,678, plus strand): 5'-TGCATTGAGGCACTGGCCATTGCCACAGAGATTCAGGTTCTCAGAGCACTCATCAAGGTC[T>G]ACAGCCAGAAAGAAACACACGTTACTCTTCCTCGGTTAGGGGCTTTCTAATTCCTCAGGT-3'